The following is an entry in ClinVar:

NM_054012.4(ASS1):c.951del (p.Phe317fs)

Gene: ASS1 (argininosuccinate synthase 1; plus strand). Cytogenetic location: 9q34.11.
Variant type: Deletion.
Coding change: c.951del on transcript NM_054012.4 (MANE Select); coding-DNA position 951, one base deleted (T; older notation c.951delT).
Protein change: p.Phe317fs; shifts the reading frame from phenylalanine 317.
Molecular consequence: frameshift variant.
Genome position (GRCh38, 1-based): chr9:130,489,445, T deleted; the last of 3 consecutive T bases (chr9:130,489,443-130,489,445); deleting any one gives the same sequence. VCF-style (leftmost placement, unchanged base first): chr9-130489442-AT-A. GRCh37 (hg19) VCF-style: chr9-133364829-AT-A.
Other names: c.951del, p.Phe317fs (NM_000050.4); c.951delT (NM_000050.4); short protein forms F317fs.
Identifiers: ClinVar variation 558680 (VCV000558680.11), dbSNP rs775791516, ClinGen allele CA5283579.

ClinVar aggregate classification (germline): Pathogenic. Review status: criteria provided, multiple submitters, no conflicts (2 of 4 stars). 5 submissions from 5 submitters: Pathogenic (4). 1 of the submissions does not count toward it. Last evaluated 2024-11-21.

Conditions:
Citrullinemia. Identifiers: Orphanet 187, MedGen C0175683, MONDO:0015991.
Citrullinemia type I (CTNL1). Also called: argininosuccinate synthetase deficiency; ASS DEFICIENCY. Identifiers: Orphanet 247525, MedGen C4721769, MONDO:0008988, OMIM 215700.

Submissions (5):

Natera, Inc.
Classification: Pathogenic for Citrullinemia type I. Last evaluated: 2024-11-21. Review status: criteria provided, single submitter. Criteria: Natera Variant Classification Schema (03/2026). Collection method: clinical testing. Allele origin: germline.
Comment: The c.951delT variant in ASS1 is a frameshift variant predicted to shift the reading frame beginning at codon 317 and leads to a stop codon 59 codons downstream. This variant is expected to result in nonsense mediated decay, truncation, or a dysfunctional protein product. This variant is rare in the general population with a frequency below the threshold expected for the associated phenotype(s). This variant has been observed in one or more individuals affected with the associated recessive disease, as either homozygous or compound heterozygous with a second variant (PMID: 25537548). Given the available evidence, this variant is classified as Pathogenic.

Labcorp Genetics (formerly Invitae), Labcorp
Classification: Pathogenic for Citrullinemia. Last evaluated: 2022-11-02. Review status: criteria provided, single submitter. Criteria: Invitae Variant Classification Sherloc (09022015). Collection method: clinical testing. Allele origin: germline.
Comment: This sequence change creates a premature translational stop signal (p.Phe317Leufs*59) in the ASS1 gene. It is expected to result in an absent or disrupted protein product. Loss-of-function variants in ASS1 are known to be pathogenic (PMID: 18473344, 19006241). For these reasons, this variant has been classified as Pathogenic. ClinVar contains an entry for this variant (Variation ID: 558680). This premature translational stop signal has been observed in individual(s) with citrullinaemia (PMID: 25537548). This variant is present in population databases (rs775791516, gnomAD 0.006%).

Baylor Genetics
Classification: Pathogenic for Citrullinemia type I. Last evaluated: 2022-07-12. Review status: criteria provided, single submitter. Criteria: ACMG Guidelines, 2015. Collection method: clinical testing. Allele origin: unknown.

Juno Genomics, Hangzhou Juno Genomics, Inc
Classification: Pathogenic for Citrullinemia type I. Review status: criteria provided, single submitter. Criteria: ACMG Guidelines, 2015. Collection method: clinical testing. Allele origin: germline.
Comment: Absent from controls (or at extremely low frequency if recessive) in Genome Aggregation Database.;Null variant in a gene where loss of function (LOF) is a known mechanism of disease.;For recessive disorders, detected in trans with a pathogenic variant.;Patient's phenotype or family history is highly specific for a disease with a single genetic etiology.

Counsyl
Classification: Likely pathogenic for Citrullinemia type I. Last evaluated: 2018-06-05. Review status: no assertion criteria provided. Collection method: clinical testing. Allele origin: unknown. Not counted in ClinVar's aggregate classification.

Literature cited by the submitters: PubMed 25537548 (cited by 3 submitters); PubMed 18473344 (cited by Labcorp Genetics (formerly Invitae), Labcorp); PubMed 19006241 (cited by Labcorp Genetics (formerly Invitae), Labcorp).